The following is an entry in ClinVar:

NM_013432.5(TONSL):c.3178A>G (p.Thr1060Ala)

Gene: TONSL (tonsoku like, DNA repair protein; minus strand). Cytogenetic location: 8q24.3.
Variant type: single nucleotide variant.
Coding change: c.3178A>G on transcript NM_013432.5 (MANE Select); coding-DNA position 3178, A replaced by G.
Protein change: p.Thr1060Ala; replaces threonine 1060 with alanine.
Molecular consequence: missense variant.
Genome position (GRCh38, 1-based): chr8:144,434,187, T>C on the plus strand (A>G on the coding strand, the complement: TONSL is on the minus strand). VCF-style: chr8-144434187-T-C. GRCh37 (hg19) VCF-style: chr8-145659570-T-C.
Other names: short protein forms T1060A.
Identifiers: ClinVar variation 3714835 (VCV003714835.2).

ClinVar aggregate classification (germline): Uncertain significance (1 of 4 stars; one submission).

gnomAD v4.1: 1 of 1,599,258 alleles (0.000063%); no homozygotes.

Submission:

Labcorp Genetics (formerly Invitae), Labcorp
Classification: Uncertain significance. Last evaluated: 2025-02-06. Review status: criteria provided, single submitter. Criteria: Invitae Variant Classification Sherloc (09022015). Collection method: clinical testing. Allele origin: germline.
Comment: This sequence change replaces threonine, which is neutral and polar, with alanine, which is neutral and non-polar, at codon 1060 of the TONSL protein (p.Thr1060Ala). This variant is not present in population databases (gnomAD no frequency). This variant has not been reported in the literature in individuals affected with TONSL-related conditions. Invitae Evidence Modeling of protein sequence and biophysical properties (such as structural, functional, and spatial information, amino acid conservation, physicochemical variation, residue mobility, and thermodynamic stability) indicates that this missense variant is not expected to disrupt TONSL protein function with a negative predictive value of 80%. In summary, the available evidence is currently insufficient to determine the role of this variant in disease. Therefore, it has been classified as a Variant of Uncertain Significance.